The following is an entry in ClinVar:

NM_138694.4(PKHD1):c.7024G>A (p.Gly2342Ser)

Gene: PKHD1 (PKHD1 ciliary IPT domain containing fibrocystin/polyductin; minus strand). Cytogenetic location: 6p12.2.
Variant type: single nucleotide variant.
Coding change: c.7024G>A on transcript NM_138694.4 (MANE Select); coding-DNA position 7024, G replaced by A.
Protein change: p.Gly2342Ser; replaces glycine 2342 with serine.
Molecular consequence: missense variant.
Genome position (GRCh38, 1-based): chr6:51,887,218, C>T on the plus strand (G>A on the coding strand, the complement: PKHD1 is on the minus strand). VCF-style: chr6-51887218-C-T. GRCh37 (hg19) VCF-style: chr6-51752016-C-T.
Other names: c.7024G>A, p.Gly2342Ser (NM_170724.3); short protein forms G2342S.
Identifiers: ClinVar variation 528293 (VCV000528293.14), dbSNP rs1554290169, ClinGen allele CA364424625.
Genomic context (GRCh38, chr6:51,887,218, plus strand): 5'-GAGTGAAGGAAAGAAGCGGAGCTTGTGATGTTTGGTTGGTCATGAGATGGAAAAAGTAGC[C>T]ATAGCCAGCACCACACACTCTGTTCCCCTACAGAAATTAAGAAGAGTTAAAAAATAGTTA-3'
Protein context (NP_619639.3, residues 2332-2352): EGNRVCGAGY[Gly2342Ser]YFFHLMTNQT

ClinVar aggregate classification (germline): Uncertain significance. Review status: criteria provided, single submitter (1 of 4 stars). 2 submissions from 2 submitters: Uncertain significance (1). 1 of the submissions does not count toward it. Last evaluated 2017-10-18.

Conditions:
Autosomal recessive polycystic kidney disease (ARPKD). Also called: AR polycystic kidney disease. Identifiers: Orphanet 731, Orphanet 8378, MedGen C0085548, MeSH D017044, MONDO:0009889.

Allele frequency attached by ClinVar (database versions not stated): TOPMed below 0.00001; gnomAD 0.00001.

Submissions (2):

Labcorp Genetics (formerly Invitae), Labcorp
Classification: Uncertain significance for Autosomal recessive polycystic kidney disease. Last evaluated: 2017-10-18. Review status: criteria provided, single submitter. Criteria: Invitae Variant Classification Sherloc (09022015). Collection method: clinical testing. Allele origin: germline.
Comment: In summary, the available evidence is currently insufficient to determine the role of this variant in disease. Therefore, it has been classified as a Variant of Uncertain Significance. Algorithms developed to predict the effect of sequence changes on RNA splicing suggest that this variant may create or strengthen a splice site, but this prediction has not been confirmed by published transcriptional studies. Algorithms developed to predict the effect of missense changes on protein structure and function do not agree on the potential impact of this missense change (SIFT: "Deleterious"; PolyPhen-2: "Probably Damaging"; Align-GVGD: "Class C0"). This variant has not been reported in the literature in individuals with PKHD1-related disease. This variant is not present in population databases (ExAC no frequency). This sequence change replaces glycine with serine at codon 2342 of the PKHD1 protein (p.Gly2342Ser). The glycine residue is highly conserved and there is a small physicochemical difference between glycine and serine.

Natera, Inc.
Classification: Uncertain significance for Autosomal recessive polycystic kidney disease. Last evaluated: 2018-06-08. Review status: no assertion criteria provided. Collection method: clinical testing. Allele origin: germline. Not counted in ClinVar's aggregate classification.